The following is an entry in ClinVar:

ClinVar aggregate classification (germline): Conflicting classifications of pathogenicity. Review status: criteria provided, conflicting classifications (1 of 4 stars). 4 submissions from 4 submitters: Uncertain significance (2); Likely benign (2). Last evaluated 2024-11-11.

Conditions:
Sotos syndrome (SOTOS). Also called: CHROMOSOME 5q35 DELETION SYNDROME; CEREBRAL GIGANTISM; Sotos' syndrome; SOTOS SYNDROME 1; Distinctive facial appearance, overgrowth in childhood, and learning disabilities or delayed development. Identifiers: Orphanet 821, MedGen C0175695, MONDO:0019349, OMIM 117550.
Inborn genetic diseases. Identifiers: MedGen C0950123, MeSH D030342.

Allele frequency attached by ClinVar (database versions not stated): gnomAD exomes 0.00002 and 0.00006; ExAC 0.00002; TOPMed 0.00001; gnomAD 0.00002.
gnomAD v4.1: 86 of 1,613,368 alleles (0.0053%); highest among the groups gnomAD compares: Non-Finnish European, 0.007%; no homozygotes.

Submissions (4):

Labcorp Genetics (formerly Invitae), Labcorp
Classification: Likely benign. Last evaluated: 2024-11-11. Review status: criteria provided, single submitter. Criteria: Invitae Variant Classification Sherloc (09022015). Collection method: clinical testing. Allele origin: germline.

Blueprint Genetics
Classification: Likely benign. Last evaluated: 2023-11-14. Review status: criteria provided, single submitter. Criteria: ACMG Guidelines, 2015. Collection method: clinical testing. Allele origin: germline.

Fulgent Genetics
Classification: Uncertain significance for Sotos syndrome. Last evaluated: 2021-07-30. Review status: criteria provided, single submitter. Criteria: ACMG Guidelines, 2015. Collection method: clinical testing. Allele origin: unknown.

Ambry Genetics
Classification: Uncertain significance for Inborn genetic diseases. Last evaluated: 2016-05-17. Review status: criteria provided, single submitter. Criteria: Ambry Variant Classification Scheme 2023. Collection method: clinical testing. Allele origin: germline.
Comment: The p.L2283P variant (also known as c.6848T>C), located in coding exon 22 of the NSD1 gene, results from a T to C substitution at nucleotide position 6848. The leucine at codon 2283 is replaced by proline, an amino acid with similar properties. This variant was not reported in population based cohorts in the following databases: Database of Single Nucleotide Polymorphisms (dbSNP), NHLBI Exome Sequencing Project (ESP), and 1000 Genomes Project. In the ESP, this variant was not observed in 6503 samples (13006 alleles) with coverage at this position. This amino acid position is poorly conserved in available vertebrate species. In addition, this alteration is predicted to be tolerated by in silico analysis. Since supporting evidence is limited at this time, the clinical significance of this alteration remains unclear.

NM_022455.5(NSD1):c.6848T>C (p.Leu2283Pro)

Gene: NSD1 (nuclear receptor binding SET domain protein 1; plus strand). Cytogenetic location: 5q35.3.
Variant type: single nucleotide variant.
Coding change: c.6848T>C on transcript NM_022455.5 (MANE Select); coding-DNA position 6848, T replaced by C.
Protein change: p.Leu2283Pro; replaces leucine 2283 with proline.
Molecular consequence: missense variant.
Genome position (GRCh38, 1-based): chr5:177,294,216, T>C. VCF-style: chr5-177294216-T-C. GRCh37 (hg19) VCF-style: chr5-176721217-T-C.
Other names: c.5975T>C, p.Leu1992Pro (NM_001365684.2, NM_001409308.1, NM_172349.5); c.6848T>C, p.Leu2283Pro (NM_001409301.1, NM_001409302.1, NM_001409303.1); c.6428T>C, p.Leu2143Pro (NM_001409304.1); c.6095T>C, p.Leu2032Pro (NM_001409305.1); c.6086T>C, p.Leu2029Pro (NM_001409306.1, NM_001409307.1); c.5726T>C, p.Leu1909Pro (NM_001409309.1); short protein forms L2283P, L2014P, L2029P, L2032P, L1909P, L1992P, L2143P.
Identifiers: ClinVar variation 587886 (VCV000587886.12), dbSNP rs776592297, ClinGen allele CA3578051.